The following is an entry in ClinVar:

ClinVar aggregate classification (germline): Conflicting classifications of pathogenicity. Review status: criteria provided, conflicting classifications (1 of 4 stars). 4 submissions from 4 submitters: Pathogenic (1); Likely pathogenic (2); Uncertain significance (1). Last evaluated 2025-10-01.

Conditions:
Familial adenomatous polyposis 1 (FAP1). Also called: FAMILIAL ADENOMATOUS POLYPOSIS 1, ATTENUATED; POLYPOSIS, ADENOMATOUS INTESTINAL. Identifiers: MedGen C2713442, MONDO:0021056, OMIM 175100. Disease mechanism: loss of function.
Hereditary cancer-predisposing syndrome. Also called: Tumor predisposition; Neoplastic Syndromes, Hereditary; Hereditary neoplastic syndrome; Hereditary Cancer Syndrome. Identifiers: Orphanet 140162, MedGen C0027672, MeSH D009386, MONDO:0015356.

Allele frequency attached by ClinVar (database versions not stated): gnomAD exomes below 0.00001; TOPMed below 0.00001.
gnomAD v4.1: 1 of 1,370,440 alleles (0.000073%); highest among the groups gnomAD compares: Non-Finnish European, 0.000096%; no homozygotes.

Submissions (4):

Labcorp Genetics (formerly Invitae), Labcorp
Classification: Pathogenic for Familial adenomatous polyposis 1. Last evaluated: 2025-10-01. Review status: criteria provided, single submitter. Criteria: Invitae Variant Classification Sherloc (09022015). Collection method: clinical testing. Allele origin: germline.
Comment: This variant occurs in a non-coding region of the APC gene. It does not change the encoded amino acid sequence of the APC protein. This variant is not present in population databases (gnomAD no frequency). This variant has been observed in individual(s) with clinical features of familial adenomatous polyposis (internal data). Experimental studies and prediction algorithms are not available or were not evaluated, and the functional significance of this variant is currently unknown. For these reasons, this variant has been classified as Pathogenic.

Ambry Genetics
Classification: Likely pathogenic for Hereditary cancer-predisposing syndrome. Last evaluated: 2025-08-01. Review status: criteria provided, single submitter. Criteria: Ambry Variant Classification Scheme 2023. Collection method: clinical testing. Allele origin: germline.
Comment: The c.-40G>A variant is located in the 5' untranslated region (5&rsquo; UTR) of the APC gene. This variant results from a G to A substitution 40 bases upstream from the first translated codon. This nucleotide position is highly conserved in available vertebrate species. This variant has been observed in individuals with familial adenomatous polyposis (Ambry internal data; Young B et al. Am J Med Genet A, 2025 Jul;197:e63992). A luciferase assay demonstrated that this variant results in a deleterious impact on transcription (Young B et al. Am J Med Genet A, 2025 Jul;197:e63992). This variant was observed to segregate with disease in affected individuals (Young B et al. Am J Med Genet A, 2025 Jul;197:e63992). This variant is considered to be rare based on population cohorts in the Genome Aggregation Database (gnomAD). Based on the majority of available evidence to date, this variant is likely to be pathogenic.

Hereditary Gastrointestinal Cancer Registry, University of Utah
Classification: Likely pathogenic for Familial adenomatous polyposis 1. Last evaluated: 2024-08-01. Review status: criteria provided, single submitter. Criteria: Spier et al. (Genet Med. 2024). Collection method: research, in vitro. Allele origin: germline, not applicable. Inheritance: Autosomal dominant inheritance. Affected: yes. Observed: 4 variant alleles. Clinical features observed: Adenomatous colonic polyposis (HP:0005227). Functional consequence: decreased_translational_product_level.
Comment: When the scaled point system based on the ACMG/AMP variant classification guidelines is applied, the mutiple lines of evidence justify classification of this variant as likely pathogenic (Richards et al., 2015; Tavtigian et al., 2018; Tavtigian, Harrison, Boucher, & Biesecker, 2020). These includes 5 points for co-segregation of phenotype with variant (evidence criterion PP1 at its capped maximum) (Biesecker et al., 2024), one point for a high-confidence computational prediction of an alternative start codon that can squelch canonical translation initiation (evidence criterion PP3), and one point for functional evidence (evidence criterion PS3 at its minimum strength) (Brnich et al., 2019).

Blueprint Genetics
Classification: Uncertain significance. Last evaluated: 2021-07-05. Review status: criteria provided, single submitter. Criteria: ACMG Guidelines, 2015. Collection method: clinical testing. Allele origin: germline.

Literature cited by the submitters: PubMed 40062631 (cited by Ambry Genetics); PubMed 32720330 (cited by Hereditary Gastrointestinal Cancer Registry, University of Utah).

NM_001127511.3(APC):c.-40G>A

Gene: APC (APC regulator of Wnt signaling pathway; plus strand). Cytogenetic location: 5q22.2.
Variant type: single nucleotide variant.
Coding change: c.-40G>A on transcript NM_001127511.3; 40 bases upstream of the start codon, G replaced by A.
Molecular consequence: 5 prime UTR variant. On other transcripts: non-coding transcript variant (1), intron variant (5).
Genome position (GRCh38, 1-based): chr5:112,707,678, G>A. VCF-style: chr5-112707678-G-A. GRCh37 (hg19) VCF-style: chr5-112043375-G-A.
Other names: c.-40G>A (NM_001127511.2, NM_001354897.2, NM_001354902.2 and 1 more transcripts); c.-223G>A (NM_001354895.2, NM_001407447.1, NM_001407452.1 and 3 more transcripts); c.-1258G>A (NM_001407470.1, NM_001407472.1); c.-19+29G>A (NM_001407448.1, NM_001407450.1, NM_001407457.1 and 1 more transcripts); c.-43+29G>A (NM_001407453.1).
Identifiers: ClinVar variation 1002757 (VCV001002757.12), dbSNP rs1750595782, ClinGen allele CA1573442617.